The following is an entry in ClinVar:

ClinVar aggregate classification (germline): Uncertain significance (0 of 4 stars; one submission).

Conditions:
CAMK2B-related disorder. Also called: CAMK2B-related condition.

Submission:

PreventionGenetics, part of Exact Sciences
Classification: Uncertain significance for CAMK2B-related condition. Last evaluated: 2024-05-17. Review status: no assertion criteria provided. Collection method: clinical testing. Allele origin: germline.
Comment: The CAMK2B c.1801_1819dup19 variant is predicted to result in a frameshift and premature protein termination (p.Val607Aspfs*27). To our knowledge, this variant has not been reported in the literature or in a large population database, indicating this variant is rare. Of note, CAMK2B is suggested to be highly intolerant to loss-of-function variants (pLI=1 at gnomAD). However, this variant is located in the last coding exon of this gene; and to our knowledge, no any downstream truncating variants have been reported in the literature to be pathogenic or likely pathogenic. Although we suspect that this variant may be pathogenic, at this time, the clinical significance of this variant is uncertain due to the absence of conclusive functional and genetic evidence.

NM_001220.5(CAMK2B):c.1801_1819dup (p.Val607fs)

Gene: CAMK2B (calcium/calmodulin dependent protein kinase II beta; minus strand). Cytogenetic location: 7p13.
Variant type: Duplication.
Coding change: c.1801_1819dup on transcript NM_001220.5 (MANE Select); coding-DNA positions 1801 to 1819, 19 bases duplicated (ACCATCCTGAACCCACACG).
Protein change: p.Val607fs; shifts the reading frame from valine 607.
Molecular consequence: frameshift variant.
Genome position (GRCh38, 1-based): chr7:44,220,244-44,220,262, CGTGTGGGTTCAGGATGGT duplicated on the plus strand (ACCATCCTGAACCCACACG on the coding strand, the reverse complement: CAMK2B is on the minus strand); duplicating any 19 consecutive bases within chr7:44,220,244-44,220,269 gives the same sequence; the c. name uses the placement nearest the transcript's 3' end. VCF-style (leftmost placement, unchanged base first): chr7-44220243-A-ACGTGTGGGTTCAGGATGGT. GRCh37 (hg19) VCF-style: chr7-44259842-A-ACGTGTGGGTTCAGGATGGT.
Other names: c.1429_1447dup, p.Val483fs (NM_001293170.2, NM_172078.3); c.1357_1375dup, p.Val459fs (NM_172079.3); c.1354_1372dup, p.Val458fs (NM_172080.3); c.1312_1330dup, p.Val444fs (NM_172081.3); c.1279_1297dup, p.Val433fs (NM_172082.3); c.1240_1258dup, p.Val420fs (NM_172083.3); c.1150_1168dup, p.Val390fs (NM_172084.3); short protein forms V390fs, V420fs, V433fs, V444fs, V458fs, V459fs, V483fs, V607fs.
Identifiers: ClinVar variation 3344387 (VCV003344387.1).
Genomic context (GRCh38, chr7:44,220,243, plus strand): 5'-TCAATGTACTGCGTGAGCCGGATGTAAGCGATGCAGGCGGCATCCTCTCCAATGACGTGC[A>ACGTGTGGGTTCAGGATGGT]CGTGTGGGTTCAGGATGGTCGTGTGGATCGGCTTGCTGTTCTTGGCCAGCACTGTGGACA-3'